The following is an entry in ClinVar:

NM_006734.4(HIVEP2):c.2289_2296dup (p.Gln766fs)

Gene: HIVEP2 (HIVEP zinc finger 2; minus strand). Cytogenetic location: 6q24.2.
Variant type: Duplication.
Coding change: c.2289_2296dup on transcript NM_006734.4 (MANE Select); coding-DNA positions 2289 to 2296, 8 bases duplicated (CCAACTGC; older notation c.2289_2296dupCCAACTGC).
Protein change: p.Gln766fs; shifts the reading frame from glutamine 766.
Molecular consequence: frameshift variant.
Genome position (GRCh38, 1-based): chr6:142,772,443-142,772,450, GCAGTTGG duplicated on the plus strand (CCAACTGC on the coding strand, the reverse complement: HIVEP2 is on the minus strand); duplicating any 8 consecutive bases within chr6:142,772,443-142,772,451 gives the same sequence; the c. name uses the placement nearest the transcript's 3' end. VCF-style (leftmost placement, unchanged base first): chr6-142772442-T-TGCAGTTGG. GRCh37 (hg19) VCF-style: chr6-143093579-T-TGCAGTTGG.
Other names: short protein forms Q766fs.
Identifiers: ClinVar variation 3342115 (VCV003342115.16).

ClinVar aggregate classification (germline): Pathogenic (1 of 4 stars; one submission).

Submission:

CeGaT Center for Human Genetics Tuebingen
Classification: Pathogenic. Last evaluated: 2024-08-01. Review status: criteria provided, single submitter. Criteria: CeGaT Center For Human Genetics Tuebingen Variant Classification Criteria Version 2. Collection method: clinical testing. Allele origin: germline. Affected: yes. Observed: 2 variant alleles.
Comment: HIVEP2: PVS1, PM2